The following is an entry in ClinVar:

NM_182493.3(MYLK3):c.1017A>G (p.Ile339Met)

Gene: MYLK3 (myosin light chain kinase 3; minus strand). Cytogenetic location: 16q11.2.
Variant type: single nucleotide variant.
Coding change: c.1017A>G on transcript NM_182493.3 (MANE Select); coding-DNA position 1017, A replaced by G.
Protein change: p.Ile339Met; replaces isoleucine 339 with methionine.
Molecular consequence: missense variant. On other transcripts: 5 prime UTR variant (1).
Genome position (GRCh38, 1-based): chr16:46,732,653, T>C on the plus strand (A>G on the coding strand, the complement: MYLK3 is on the minus strand). VCF-style: chr16-46732653-T-C. GRCh37 (hg19) VCF-style: chr16-46766565-T-C.
Other names: c.-7A>G (NM_001308301.1); short protein forms I339M.
Identifiers: ClinVar variation 1922414 (VCV001922414.5), dbSNP rs759741431, ClinGen allele CA8038088.
Genomic context (GRCh38, chr16:46,732,653, plus strand): 5'-GGTGGGTCCAAGGCTGCCCCTGCCTGTCATCAGCATCTCCCCAGGAGTATCCATCTCTTG[T>C]ATGTGGATGGAGATCCTGGGGTGGAGAGAAACATGGTGCTGAGGTTAGAGGCAAGGACTC-3'
Protein context (NP_872299.2, residues 329-349): GETPPRISIH[Ile339Met]QEMDTPGEML

ClinVar aggregate classification (germline): Uncertain significance (1 of 4 stars; one submission).

Allele frequency attached by ClinVar (database versions not stated): gnomAD exomes below 0.00001; ExAC 0.00001.
gnomAD v4.1: 1 of 1,522,826 alleles (0.000066%); highest among the groups gnomAD compares: African/African-American, 0.0014%; no homozygotes.

Submission:

Labcorp Genetics (formerly Invitae), Labcorp
Classification: Uncertain significance. Last evaluated: 2025-10-02. Review status: criteria provided, single submitter. Criteria: Invitae Variant Classification Sherloc (09022015). Collection method: clinical testing. Allele origin: germline.
Comment: This sequence change replaces isoleucine, which is neutral and non-polar, with methionine, which is neutral and non-polar, at codon 339 of the MYLK3 protein (p.Ile339Met). This variant is present in population databases (rs759741431, gnomAD 0.008%). This variant has not been reported in the literature in individuals affected with MYLK3-related conditions. ClinVar contains an entry for this variant (Variation ID: 1922414). An algorithm developed to predict the effect of missense changes on protein structure and function outputs the following: PolyPhen-2: "Benign". The methionine amino acid residue is found in multiple mammalian species, which suggests that this missense change does not adversely affect protein function. In summary, the available evidence is currently insufficient to determine the role of this variant in disease. Therefore, it has been classified as a Variant of Uncertain Significance.